The following is an entry in ClinVar:

ClinVar aggregate classification (germline): Uncertain significance. Review status: criteria provided, multiple submitters, no conflicts (2 of 4 stars). 3 submissions from 3 submitters: Uncertain significance (2). 1 of the submissions does not count toward it. Last evaluated 2025-09-10.

Conditions:
ZSWIM6-related disorder. Also called: ZSWIM6-related condition.
Inborn genetic diseases. Identifiers: MedGen C0950123, MeSH D030342.

Allele frequency attached by ClinVar (database versions not stated): gnomAD 0.00001; gnomAD exomes 0.00002 and 0.00006; TOPMed 0.00002.
gnomAD v4.1: 14 of 1,551,584 alleles (0.0009%); highest among the groups gnomAD compares: Admixed American, 0.025%; no homozygotes.

Submissions (3):

Labcorp Genetics (formerly Invitae), Labcorp
Classification: Uncertain significance. Last evaluated: 2025-09-10. Review status: criteria provided, single submitter. Criteria: Invitae Variant Classification Sherloc (09022015). Collection method: clinical testing. Allele origin: germline.
Comment: This sequence change replaces leucine, which is neutral and non-polar, with methionine, which is neutral and non-polar, at codon 735 of the ZSWIM6 protein (p.Leu735Met). This variant is present in population databases (no rsID available, gnomAD 0.04%), and has an allele count higher than expected for a pathogenic variant. This variant has not been reported in the literature in individuals affected with ZSWIM6-related conditions. ClinVar contains an entry for this variant (Variation ID: 1359500). Invitae Evidence Modeling of protein sequence and biophysical properties (such as structural, functional, and spatial information, amino acid conservation, physicochemical variation, residue mobility, and thermodynamic stability) indicates that this missense variant is not expected to disrupt ZSWIM6 protein function with a negative predictive value of 80%. In summary, the available evidence is currently insufficient to determine the role of this variant in disease. Therefore, it has been classified as a Variant of Uncertain Significance.

Ambry Genetics
Classification: Uncertain significance for Inborn genetic diseases. Last evaluated: 2024-11-20. Review status: criteria provided, single submitter. Criteria: Ambry Variant Classification Scheme 2023. Collection method: clinical testing. Allele origin: germline.

PreventionGenetics, part of Exact Sciences
Classification: Uncertain significance for ZSWIM6-related condition. Last evaluated: 2023-12-11. Review status: no assertion criteria provided. Collection method: clinical testing. Allele origin: germline. Not counted in ClinVar's aggregate classification.
Comment: The ZSWIM6 c.2203C>A variant is predicted to result in the amino acid substitution p.Leu735Met. To our knowledge, this variant has not been reported in the literature. This variant is reported in 0.036% of alleles in individuals of Latino descent in gnomAD. Although we suspect that this variant may be benign, at this time, the clinical significance of this variant is uncertain due to the absence of conclusive functional and genetic evidence.

NM_020928.2(ZSWIM6):c.2203C>A (p.Leu735Met)

Gene: ZSWIM6 (zinc finger SWIM-type containing 6; plus strand). Cytogenetic location: 5q12.1.
Variant type: single nucleotide variant.
Coding change: c.2203C>A on transcript NM_020928.2 (MANE Select); coding-DNA position 2203, C replaced by A.
Protein change: p.Leu735Met; replaces leucine 735 with methionine.
Molecular consequence: missense variant.
Genome position (GRCh38, 1-based): chr5:61,531,683, C>A. VCF-style: chr5-61531683-C-A. GRCh37 (hg19) VCF-style: chr5-60827510-C-A.
Other names: c.2203C>A (NM_020928.1); short protein forms L735M.
Identifiers: ClinVar variation 1359500 (VCV001359500.11), dbSNP rs1048857987, ClinGen allele CA119663040.